The following is an entry in ClinVar:

ClinVar aggregate classification (germline): Benign/Likely benign. Review status: criteria provided, multiple submitters, no conflicts (2 of 4 stars). 6 submissions from 6 submitters: Benign (1); Likely benign (5). Last evaluated 2026-01-25.

Conditions:
Desbuquois dysplasia 1 (DBQD1). Also called: DESBUQUOIS DYSPLASIA 1, KIM VARIANT; MICROMELIC DWARFISM WITH VERTEBRAL AND METAPHYSEAL ABNORMALITIES AND ADVANCED CARPOTARSAL OSSIFICATION. Identifiers: Orphanet 1425, MedGen C4012146, MONDO:0009629, OMIM 251450.

Allele frequency attached by ClinVar (database versions not stated): ESP Exome Variant Server 0.00269; gnomAD 0.00272 and 0.00273; TOPMed 0.00330; ExAC 0.00227; 1000 Genomes Project 0.00240; 1000 Genomes Project 30x 0.00250; gnomAD exomes 0.00262.

Submissions (6):

Labcorp Genetics (formerly Invitae), Labcorp
Classification: Benign. Last evaluated: 2026-01-25. Review status: criteria provided, single submitter. Criteria: Invitae Variant Classification Sherloc (09022015). Collection method: clinical testing. Allele origin: germline.

Genomic Medicine Center of Excellence, King Faisal Specialist Hospital and Research Centre
Classification: Likely benign. Last evaluated: 2025-08-18. Review status: criteria provided, single submitter. Criteria: ACMG Guidelines, 2015. Collection method: clinical testing. Allele origin: germline.

CeGaT Center for Human Genetics Tuebingen
Classification: Likely benign. Last evaluated: 2025-02-01. Review status: criteria provided, single submitter. Criteria: CeGaT Center For Human Genetics Tuebingen Variant Classification Criteria Version 2. Collection method: clinical testing. Allele origin: germline. Affected: yes. Observed: 3 variant alleles.
Comment: CANT1: BP4

Illumina Laboratory Services, Illumina
Classification: Likely benign for Desbuquois dysplasia 1. Last evaluated: 2018-01-13. Review status: criteria provided, single submitter. Criteria: ICSL Variant Classification Criteria 13 December 2019. Collection method: clinical testing. Allele origin: germline.
Comment: This variant was observed in the ICSL laboratory as part of a predisposition screen in an ostensibly healthy population. It had not been previously curated by ICSL or reported in the Human Gene Mutation Database (HGMD: prior to June 1st, 2018), and was therefore a candidate for classification through an automated scoring system. Utilizing variant allele frequency, disease prevalence and penetrance estimates, and inheritance mode, an automated score was calculated to assess if this variant is too frequent to cause the disease. Based on the score and internal cut-off values, a variant classified as likely benign is not then subjected to further curation. The score for this variant resulted in a classification of likely benign for this disease.

Eurofins Ntd Llc (ga)
Classification: Likely benign. Last evaluated: 2016-03-15. Review status: criteria provided, single submitter. Criteria: EGL Classification Definitions 2015. Collection method: clinical testing. Allele origin: germline. Observed: 1 variant allele, 1 homozygote.

Breakthrough Genomics
Classification: Likely benign. Review status: criteria provided, single submitter. Criteria: ACMG Guidelines, 2015. Collection method: not provided. Allele origin: germline. Inheritance: Autosomal recessive inheritance. Affected: yes.

NM_001159773.2(CANT1):c.1123A>T (p.Met375Leu)

Gene: CANT1 (calcium activated nucleotidase 1; minus strand). Cytogenetic location: 17q25.3.
Variant type: single nucleotide variant.
Coding change: c.1123A>T on transcript NM_001159773.2 (MANE Select); coding-DNA position 1123, A replaced by T.
Protein change: p.Met375Leu; replaces methionine 375 with leucine.
Molecular consequence: missense variant.
Genome position (GRCh38, 1-based): chr17:78,993,633, T>A on the plus strand (A>T on the coding strand, the complement: CANT1 is on the minus strand). VCF-style: chr17-78993633-T-A. GRCh37 (hg19) VCF-style: chr17-76989715-T-A.
Other names: c.1123A>T, p.Met375Leu (NM_001159772.2, NM_138793.4); short protein forms M375L.
Identifiers: ClinVar variation 286619 (VCV000286619.42), dbSNP rs139486406, ClinGen allele CA8808510.